The following is an entry in ClinVar:

NM_016292.3(TRAP1):c.1271A>C (p.Lys424Thr)

Gene: TRAP1 (TNF receptor associated protein 1; minus strand). Cytogenetic location: 16p13.3.
Variant type: single nucleotide variant.
Coding change: c.1271A>C on transcript NM_016292.3 (MANE Select); coding-DNA position 1271, A replaced by C.
Protein change: p.Lys424Thr; replaces lysine 424 with threonine.
Molecular consequence: missense variant.
Genome position (GRCh38, 1-based): chr16:3,666,083, T>G on the plus strand (A>C on the coding strand, the complement: TRAP1 is on the minus strand). VCF-style: chr16-3666083-T-G. GRCh37 (hg19) VCF-style: chr16-3716084-T-G.
Other names: c.1112A>C, p.Lys371Thr (NM_001272049.2); short protein forms K371T, K424T.
Identifiers: ClinVar variation 2733382 (VCV002733382.3), dbSNP rs576259609, ClinGen allele CA276984167.

ClinVar aggregate classification (germline): Uncertain significance (1 of 4 stars; one submission).

Allele frequency attached by ClinVar (database versions not stated): TOPMed 0.00001.
gnomAD v4.1: 6 of 1,614,048 alleles (0.00037%); highest among the groups gnomAD compares: African/African-American, 0.0067%; no homozygotes.

Submission:

Labcorp Genetics (formerly Invitae), Labcorp
Classification: Uncertain significance. Last evaluated: 2024-03-04. Review status: criteria provided, single submitter. Criteria: Invitae Variant Classification Sherloc (09022015). Collection method: clinical testing. Allele origin: germline.
Comment: This sequence change replaces lysine, which is basic and polar, with threonine, which is neutral and polar, at codon 424 of the TRAP1 protein (p.Lys424Thr). This variant is not present in population databases (gnomAD no frequency). This variant has not been reported in the literature in individuals affected with TRAP1-related conditions. Advanced modeling of protein sequence and biophysical properties (such as structural, functional, and spatial information, amino acid conservation, physicochemical variation, residue mobility, and thermodynamic stability) performed at Invitae indicates that this missense variant is not expected to disrupt TRAP1 protein function with a negative predictive value of 80%. In summary, the available evidence is currently insufficient to determine the role of this variant in disease. Therefore, it has been classified as a Variant of Uncertain Significance.